The following is an entry in ClinVar:

NM_005475.3(SH2B3):c.923G>A (p.Arg308Gln)

Gene: SH2B3 (SH2B adaptor protein 3; plus strand). Cytogenetic location: 12q24.12.
Variant type: single nucleotide variant.
Coding change: c.923G>A on transcript NM_005475.3 (MANE Select); coding-DNA position 923, G replaced by A.
Protein change: p.Arg308Gln; replaces arginine 308 with glutamine.
Molecular consequence: missense variant.
Genome position (GRCh38, 1-based): chr12:111,447,030, G>A. VCF-style: chr12-111447030-G-A. GRCh37 (hg19) VCF-style: chr12-111884834-G-A.
Other names: c.317G>A, p.Arg106Gln (NM_001291424.1); short protein forms R106Q, R308Q.
Identifiers: ClinVar variation 3342363 (VCV003342363.2).

ClinVar aggregate classification (germline): Conflicting classifications of pathogenicity. Review status: criteria provided, conflicting classifications (1 of 4 stars). 2 submissions from 2 submitters: Uncertain significance (1); Likely benign (1). Last evaluated 2024-12-01.

Conditions:
Inborn genetic diseases. Identifiers: MedGen C0950123, MeSH D030342.

gnomAD v4.1: 31 of 1,613,140 alleles (0.0019%); highest among the groups gnomAD compares: Middle Eastern, 0.016%; no homozygotes.

Submissions (2):

Ambry Genetics
Classification: Likely benign for Inborn genetic diseases. Last evaluated: 2024-12-01. Review status: criteria provided, single submitter. Criteria: Ambry Variant Classification Scheme 2023. Collection method: clinical testing. Allele origin: germline.

GeneDx
Classification: Uncertain significance. Last evaluated: 2022-01-12. Review status: criteria provided, single submitter. Criteria: GeneDx Variant Classification Process June 2021. Collection method: clinical testing. Allele origin: germline. Affected: yes.
Comment: In silico analysis supports that this missense variant does not alter protein structure/function; Has not been previously published as pathogenic or benign to our knowledge; Variants in candidate genes are classified as variants of uncertain significance in accordance with ACMG guidelines (Richards 2015)